The following is an entry in ClinVar:

ClinVar aggregate classification (germline): Benign/Likely benign. Review status: criteria provided, multiple submitters, no conflicts (2 of 4 stars). 5 submissions from 5 submitters: Benign (4); Likely benign (1). Last evaluated 2026-01-27.

Allele frequency attached by ClinVar (database versions not stated): gnomAD exomes 0.00053 and 0.00145; ExAC 0.00167; gnomAD 0.00520 and 0.00554; 1000 Genomes Project 30x 0.00578; TOPMed 0.00579; ESP Exome Variant Server 0.00607; 1000 Genomes Project 0.00639.
gnomAD v4.1: 1,601 of 1,614,100 alleles (0.099%); highest among the groups gnomAD compares: African/African-American, 1.8%; 9 homozygotes.

Submissions (5):

Labcorp Genetics (formerly Invitae), Labcorp
Classification: Benign. Last evaluated: 2026-01-27. Review status: criteria provided, single submitter. Criteria: Invitae Variant Classification Sherloc (09022015). Collection method: clinical testing. Allele origin: germline.

ARUP Laboratories, Molecular Genetics and Genomics, ARUP Laboratories
Classification: Benign. Last evaluated: 2025-05-23. Review status: criteria provided, single submitter. Criteria: ARUP Molecular Germline Variant Investigation Process 2024. Collection method: clinical testing. Allele origin: germline.

Blueprint Genetics
Classification: Likely benign. Last evaluated: 2024-11-25. Review status: criteria provided, single submitter. Criteria: ACMG Guidelines, 2015. Collection method: clinical testing. Allele origin: germline.

GeneDx
Classification: Benign. Last evaluated: 2016-06-24. Review status: criteria provided, single submitter. Criteria: GeneDx Variant Classification (06012015). Collection method: clinical testing. Allele origin: germline. Affected: yes.
Comment: This variant is considered likely benign or benign based on one or more of the following criteria: it is a conservative change, it occurs at a poorly conserved position in the protein, it is predicted to be benign by multiple in silico algorithms, and/or has population frequency not consistent with disease.

Eurofins Ntd Llc (ga)
Classification: Benign. Last evaluated: 2015-10-08. Review status: criteria provided, single submitter. Criteria: EGL Classification Definitions 2015. Collection method: clinical testing. Allele origin: germline. Observed: 1 variant allele, 1 heterozygote.

NM_001457.4(FLNB):c.720C>T (p.Ala240=)

Gene: FLNB (filamin B; plus strand). Cytogenetic location: 3p14.3.
Variant type: single nucleotide variant.
Coding change: c.720C>T on transcript NM_001457.4 (MANE Select); coding-DNA position 720, C replaced by T.
Protein change: p.Ala240=; no amino-acid change (alanine 240 retained).
Molecular consequence: synonymous variant.
Genome position (GRCh38, 1-based): chr3:58,081,709, C>T. VCF-style: chr3-58081709-C-T. GRCh37 (hg19) VCF-style: chr3-58067436-C-T.
Other names: c.720C>T, p.Ala240= (NM_001164317.2, NM_001164318.2, NM_001164319.2).
Identifiers: ClinVar variation 284071 (VCV000284071.25), dbSNP rs111433950, ClinGen allele CA2467602.